The following is an entry in ClinVar:

ClinVar aggregate classification (germline): Benign (3 of 4 stars; one submission).

Conditions:
Breast-ovarian cancer, familial, susceptibility to, 1 (BROVCA1). Also called: BRCA1 Hereditary Breast and Ovarian Cancer; OVARIAN CANCER, SUSCEPTIBILITY TO. Identifiers: Orphanet 145, MedGen C2676676, MONDO:0011450, OMIM 604370. Disease mechanism: loss of function.

Allele frequency attached by ClinVar (database versions not stated): gnomAD 0.10696 and 0.11326; 1000 Genomes Project 30x 0.12274; 1000 Genomes Project 0.11701; TOPMed 0.12018.
gnomAD v4.1: 16,102 of 152,132 alleles (11%); highest among the groups gnomAD compares: African/African-American, 35%; 2,640 homozygotes.

Submission:

Evidence-based Network for the Interpretation of Germline Mutant Alleles (ENIGMA)
Classification: Benign for Breast-ovarian cancer, familial 1. Last evaluated: 2015-01-12. Review status: reviewed by expert panel. Criteria: ENIGMA BRCA1/2 Classification Criteria (2015). Collection method: curation. Allele origin: germline.
Comment: Class 1 not pathogenic based on frequency >1% in an outbred sampleset. Frequency 0.3821 (African), derived from 1000 genomes (2012-04-30).

NM_007294.4(BRCA1):c.5467+537A>G

Gene: BRCA1 (BRCA1 DNA repair associated; minus strand). Cytogenetic location: 17q21.31.
Variant type: single nucleotide variant.
Coding change: c.5467+537A>G on transcript NM_007294.4 (MANE Select); 537 bases into the intron after coding-DNA position 5467, A replaced by G.
Molecular consequence: intron variant.
Genome position (GRCh38, 1-based): chr17:43,047,106, T>C on the plus strand (A>G on the coding strand, the complement: BRCA1 is on the minus strand). VCF-style: chr17-43047106-T-C. GRCh37 (hg19) VCF-style: chr17-41199123-T-C.
Other names: IVS 23+537A>G; c.5407+537A>G (NM_001407649.1); c.2152+537A>G (NM_001408401.1, NM_001408396.1, NM_001408404.1 and 7 more transcripts); c.2155+537A>G (NM_001407985.1, NM_001407990.1, NM_001407991.1 and 10 more transcripts); c.5458+537A>G (NM_001407644.1, NM_001407645.1); c.5461+537A>G (NM_001407627.1, NM_001407635.1, NM_001407640.1 and 13 more transcripts); c.5387+537A>G (NM_001407861.1); c.5464+537A>G (NM_001407614.1, NM_001407626.1, NM_001407617.1 and 14 more transcripts); and 84 more.
Identifiers: ClinVar variation 209241 (VCV000209241.2), dbSNP rs8176312, ClinGen allele CA276213.